The following is an entry in ClinVar:

ClinVar aggregate classification (germline): Benign/Likely benign. Review status: criteria provided, multiple submitters, no conflicts (2 of 4 stars). 2 submissions from 2 submitters: Benign (1); Likely benign (1). Last evaluated 2024-07-29.

Conditions:
Hereditary cancer-predisposing syndrome. Also called: Neoplastic Syndromes, Hereditary; Tumor predisposition; Hereditary Cancer Syndrome; Hereditary neoplastic syndrome. Identifiers: Orphanet 140162, MedGen C0027672, MeSH D009386, MONDO:0015356.
Familial cancer of breast. Also called: BREAST CANCER, FAMILIAL; Hereditary breast cancer; hereditary breast carcinoma. Identifiers: Orphanet 227535, MedGen C0346153, MONDO:0016419, OMIM 114480. Disease mechanism: loss of function.

Allele frequency attached by ClinVar (database versions not stated): gnomAD exomes below 0.00001.
gnomAD v4.1: 3 of 1,613,790 alleles (0.00019%); highest among the groups gnomAD compares: Non-Finnish European, 0.00025%; no homozygotes.

Submissions (2):

Myriad Genetics, Inc.
Classification: Benign for Familial cancer of breast. Last evaluated: 2024-07-29. Review status: criteria provided, single submitter. Criteria: Myriad Autosomal Dominant, Autosomal Recessive and X-Linked Classification Criteria (2023). Collection method: clinical testing. Allele origin: unknown.
Comment: This variant is considered benign. This variant is a silent/synonymous amino acid change and it is not expected to impact splicing.

Ambry Genetics
Classification: Likely benign for Hereditary cancer-predisposing syndrome. Last evaluated: 2021-07-26. Review status: criteria provided, single submitter. Criteria: Ambry Variant Classification Scheme 2023. Collection method: clinical testing. Allele origin: germline.

NM_000465.4(BARD1):c.1974C>G (p.Arg658=)

Gene: BARD1 (BRCA1 associated RING domain 1; minus strand). Cytogenetic location: 2q35.
Variant type: single nucleotide variant.
Coding change: c.1974C>G on transcript NM_000465.4 (MANE Select); coding-DNA position 1974, C replaced by G.
Protein change: p.Arg658=; no amino-acid change (arginine 658 retained).
Molecular consequence: synonymous variant. On other transcripts: non-coding transcript variant (3).
Genome position (GRCh38, 1-based): chr2:214,730,438, G>C on the plus strand (C>G on the coding strand, the complement: BARD1 is on the minus strand). VCF-style: chr2-214730438-G-C. GRCh37 (hg19) VCF-style: chr2-215595162-G-C.
Other names: c.1917C>G, p.Arg639= (NM_001282543.2); c.621C>G, p.Arg207= (NM_001282545.2); c.564C>G, p.Arg188= (NM_001282548.2); c.435C>G, p.Arg145= (NM_001282549.2).
Identifiers: ClinVar variation 1783672 (VCV001783672.3), dbSNP rs2105990533, ClinGen allele CA431139184.
Genomic context (GRCh38, chr2:214,730,438, plus strand): 5'-AGAACAATGAAAGTTGTATTAAAAGAAAAATACCAGCTGTTCTCTGTTGAGCCTGCTTCT[G>C]CGTGGACCTTCAGGAATTTCATACTTTTCTTCCTGTTCACATACTTTTCTTCGTAGACAT-3'
Protein context (NP_000456.2, residues 648-668): EEKYEIPEGP[Arg658=]RSRLNREQLL